The following is an entry in ClinVar:

NM_000432.4(MYL2):c.35G>T (p.Gly12Val)

Genes: MYL2 (myosin light chain 2; minus strand), LOC114827850 (VISTA enhancer hs2149; plus strand). Cytogenetic location: 12q24.11.
Variant type: single nucleotide variant.
Coding change: c.35G>T on transcript NM_000432.4 (MANE Select); coding-DNA position 35, G replaced by T.
Protein change: p.Gly12Val; replaces glycine 12 with valine.
Molecular consequence: missense variant.
Genome position (GRCh38, 1-based): chr12:110,919,162, C>A on the plus strand (G>T on the coding strand, the complement: MYL2 is on the minus strand). VCF-style: chr12-110919162-C-A. GRCh37 (hg19) VCF-style: chr12-111356966-C-A.
Other names: short protein forms G12V.
Identifiers: ClinVar variation 1171133 (VCV001171133.7), dbSNP rs762584624, ClinGen allele CA042285.

ClinVar aggregate classification (germline): Uncertain significance. Review status: criteria provided, multiple submitters, no conflicts (2 of 4 stars). 4 submissions from 4 submitters: Uncertain significance (4). Last evaluated 2026-09-10.

Conditions:
Cardiomyopathy (CMYO). Also called: Cardiomyopathies. Identifiers: Orphanet 167848, MedGen C0878544, MONDO:0004994, HP:0001638. Inheritance: Various modes of inheritance.
Hypertrophic cardiomyopathy 10. Also called: MYL2-Related Familial Hypertrophic Cardiomyopathy; CARDIOMYOPATHY, HYPERTROPHIC, MID-LEFT VENTRICULAR CHAMBER TYPE, 2. Identifiers: MedGen C1834460, MONDO:0012112, OMIM 608758.
Cardiovascular phenotype. Identifiers: MedGen CN230736.
Hypertrophic cardiomyopathy. Also called: HYPERTROPHIC MYOCARDIOPATHY. Identifiers: Orphanet 217569, MedGen C0007194, MeSH D002312, MONDO:0005045, HP:0001639.

Allele frequency attached by ClinVar (database versions not stated): gnomAD exomes below 0.00001; ExAC 0.00001.
gnomAD v4.1: 3 of 1,613,726 alleles (0.00019%); highest among the groups gnomAD compares: South Asian, 0.0011%; no homozygotes.

Submissions (4):

Ambry Genetics
Classification: Uncertain significance for Cardiovascular phenotype. Last evaluated: 2026-09-10. Review status: criteria provided, single submitter. Criteria: Ambry Variant Classification Scheme 2023. Collection method: clinical testing. Allele origin: germline.
Comment: The p.G12V variant (also known as c.35G>T), located in coding exon 2 of the MYL2 gene, results from a G to T substitution at nucleotide position 35. The glycine at codon 12 is replaced by valine, an amino acid with dissimilar properties. This amino acid position is highly conserved in available vertebrate species. In addition, this alteration is predicted to be deleterious by in silico analysis. Based on the available evidence, the clinical significance of this variant remains unclear.

Labcorp Genetics (formerly Invitae), Labcorp
Classification: Uncertain significance for Hypertrophic cardiomyopathy 10. Last evaluated: 2025-07-27. Review status: criteria provided, single submitter. Criteria: Invitae Variant Classification Sherloc (09022015). Collection method: clinical testing. Allele origin: germline.
Comment: This sequence change replaces glycine, which is neutral and non-polar, with valine, which is neutral and non-polar, at codon 12 of the MYL2 protein (p.Gly12Val). This variant is present in population databases (rs762584624, gnomAD 0.003%). This variant has not been reported in the literature in individuals affected with MYL2-related conditions. ClinVar contains an entry for this variant (Variation ID: 1171133). Experimental studies and prediction algorithms are not available or were not evaluated, and the functional significance of this variant is currently unknown. In summary, the available evidence is currently insufficient to determine the role of this variant in disease. Therefore, it has been classified as a Variant of Uncertain Significance.

All of Us Research Program, National Institutes of Health
Classification: Uncertain significance for Hypertrophic cardiomyopathy. Last evaluated: 2023-11-02. Review status: criteria provided, single submitter. Criteria: ACMG Guidelines, 2015. Collection method: clinical testing. Allele origin: germline. Inheritance: Autosomal dominant inheritance. Observed: 2 variant alleles, 2 heterozygotes.
Comment: This missense variant replaces glycine with valine at codon 12 of the MYL2 protein. Computational prediction is inconclusive regarding the impact of this variant on protein structure and function (internally defined REVEL score threshold 0.5 < inconclusive < 0.7, PMID: 27666373). To our knowledge, functional studies have not been reported for this variant. This variant has not been reported in individuals affected with cardiovascular disorders in the literature. This variant has been identified in 1/251420 chromosomes in the general population by the Genome Aggregation Database (gnomAD). The available evidence is insufficient to determine the role of this variant in disease conclusively. Therefore, this variant is classified as a Variant of Uncertain Significance.

This study involves interpretation of variants in research participants for the purpose of population health screening. Participant phenotype was not available at the time of variant classification. Additional details can be found in publication PMID: 35346344, PMCID: PMC8962531

Color Diagnostics, LLC DBA Color Health
Classification: Uncertain significance for Cardiomyopathy. Last evaluated: 2023-10-19. Review status: criteria provided, single submitter. Criteria: ACMG Guidelines, 2015. Collection method: clinical testing. Allele origin: germline.
Comment: This missense variant replaces glycine with valine at codon 12 of the MYL2 protein. Computational prediction is inconclusive regarding the impact of this variant on protein structure and function (internally defined REVEL score threshold 0.5 < inconclusive < 0.7, PMID: 27666373). To our knowledge, functional studies have not been reported for this variant. This variant has not been reported in individuals affected with MYL2-related disorders in the literature. This variant has been identified in 1/251420 chromosomes in the general population by the Genome Aggregation Database (gnomAD). The available evidence is insufficient to determine the role of this variant in disease conclusively. Therefore, this variant is classified as a Variant of Uncertain Significance.